The following is an entry in ClinVar:

ClinVar aggregate classification (germline): Uncertain significance. Review status: criteria provided, multiple submitters, no conflicts (2 of 4 stars). 2 submissions from 2 submitters: Uncertain significance (2). Last evaluated 2025-09-25.

Conditions:
Charcot-Marie-Tooth disease type 2. Also called: Charcot-Marie-Tooth type 2. Identifiers: Orphanet 64746, MedGen C0270914, MONDO:0018993.

Allele frequency attached by ClinVar (database versions not stated): ExAC 0.00001; gnomAD exomes 0.00001 and 0.00002; gnomAD 0.00002 and 0.00003; TOPMed 0.00003; ESP Exome Variant Server 0.00008.
gnomAD v4.1: 28 of 1,613,958 alleles (0.0017%); highest among the groups gnomAD compares: Non-Finnish European, 0.0022%; no homozygotes.

Submissions (2):

Labcorp Genetics (formerly Invitae), Labcorp
Classification: Uncertain significance for Charcot-Marie-Tooth disease type 2. Last evaluated: 2025-09-25. Review status: criteria provided, single submitter. Criteria: Invitae Variant Classification Sherloc (09022015). Collection method: clinical testing. Allele origin: germline.
Comment: This sequence change replaces serine, which is neutral and polar, with phenylalanine, which is neutral and non-polar, at codon 775 of the AARS protein (p.Ser775Phe). This variant is present in population databases (rs372602483, gnomAD 0.002%). This variant has not been reported in the literature in individuals affected with AARS-related conditions. ClinVar contains an entry for this variant (Variation ID: 658050). Invitae Evidence Modeling of protein sequence and biophysical properties (such as structural, functional, and spatial information, amino acid conservation, physicochemical variation, residue mobility, and thermodynamic stability) indicates that this missense variant is not expected to disrupt AARS protein function with a negative predictive value of 95%. In summary, the available evidence is currently insufficient to determine the role of this variant in disease. Therefore, it has been classified as a Variant of Uncertain Significance.

Blueprint Genetics
Classification: Uncertain significance. Last evaluated: 2022-09-29. Review status: criteria provided, single submitter. Criteria: ACMG Guidelines, 2015. Collection method: clinical testing. Allele origin: germline.

NM_001605.3(AARS1):c.2324C>T (p.Ser775Phe)

Gene: AARS1 (alanyl-tRNA synthetase 1; minus strand). Cytogenetic location: 16q22.1.
Variant type: single nucleotide variant.
Coding change: c.2324C>T on transcript NM_001605.3 (MANE Select); coding-DNA position 2324, C replaced by T.
Protein change: p.Ser775Phe; replaces serine 775 with phenylalanine.
Molecular consequence: missense variant.
Genome position (GRCh38, 1-based): chr16:70,254,697, G>A on the plus strand (C>T on the coding strand, the complement: AARS1 is on the minus strand). VCF-style: chr16-70254697-G-A. GRCh37 (hg19) VCF-style: chr16-70288600-G-A.
Other names: short protein forms S775F.
Identifiers: ClinVar variation 658050 (VCV000658050.9), dbSNP rs372602483, ClinGen allele CA8140464.
Genomic context (GRCh38, chr16:70,254,697, plus strand): 5'-ATCTCCCTCTGCACATCCTTGTTTGGAGCAGTCTGAGCCTTCACTTTGGCTTCCATGACA[G>A]AGAGACATTTCTTCAAGCTCTCTGCTTTCCTGAGGGCCTGGGAGGGGACACCGGGTCAAC-3'
Protein context (NP_001596.2, residues 765-785): RKAESLKKCL[Ser775Phe]VMEAKVKAQT